The following is an entry in ClinVar:

ClinVar aggregate classification (germline): Uncertain significance (1 of 4 stars; one submission).

Conditions:
Primary ciliary dyskinesia. Also called: Ciliary dyskinesia. Identifiers: Orphanet 244, MedGen C0008780, MONDO:0016575, HP:0012265.

Allele frequency attached by ClinVar (database versions not stated): TOPMed below 0.00001; gnomAD 0.00001; gnomAD exomes 0.00001.
gnomAD v4.1: 31 of 1,614,062 alleles (0.0019%); highest among the groups gnomAD compares: African/African-American, 0.0027%; no homozygotes.

Submission:

Labcorp Genetics (formerly Invitae), Labcorp
Classification: Uncertain significance for Ciliary dyskinesia. Last evaluated: 2018-07-02. Review status: criteria provided, single submitter. Criteria: Invitae Variant Classification Sherloc (09022015). Collection method: clinical testing. Allele origin: germline.
Comment: This sequence change replaces lysine with arginine at codon 460 of the RSPH4A protein (p.Lys460Arg). The lysine residue is highly conserved and there is a small physicochemical difference between lysine and arginine. This variant is not present in population databases (ExAC no frequency). This variant has not been reported in the literature in individuals with RSPH4A-related disease. Algorithms developed to predict the effect of missense changes on protein structure and function are either unavailable or do not agree on the potential impact of this missense change (SIFT: "Tolerated"; PolyPhen-2: "Probably Damaging"; Align-GVGD: "Class C0"). In summary, the available evidence is currently insufficient to determine the role of this variant in disease. Therefore, it has been classified as a Variant of Uncertain Significance.

NM_001010892.3(RSPH4A):c.1379A>G (p.Lys460Arg)

Gene: RSPH4A (radial spoke head component 4A; plus strand). Cytogenetic location: 6q22.1.
Variant type: single nucleotide variant.
Coding change: c.1379A>G on transcript NM_001010892.3 (MANE Select); coding-DNA position 1379, A replaced by G.
Protein change: p.Lys460Arg; replaces lysine 460 with arginine.
Molecular consequence: missense variant.
Genome position (GRCh38, 1-based): chr6:116,628,086, A>G. VCF-style: chr6-116628086-A-G. GRCh37 (hg19) VCF-style: chr6-116949249-A-G.
Other names: c.1379A>G, p.Lys460Arg (NM_001161664.2); short protein forms K460R.
Identifiers: ClinVar variation 569575 (VCV000569575.1), dbSNP rs1436491672, ClinGen allele CA365406027.
Genomic context (GRCh38, chr6:116,628,086, plus strand): 5'-CATGGGTGAAGTTACCACCAGTTATACCTGCACAAATTGTTATTGCAAGAAAAATCAAGA[A>G]ATTTTTCACTGGGCGATTGGATGCTCCCATCATAAGCTACCCACCTTTCCCAGGAAATGA-3'
Protein context (NP_001010892.1, residues 450-470): AQIVIARKIK[Lys460Arg]FFTGRLDAPI